The following is an entry in ClinVar:

NM_005676.5(RBM10):c.2296C>T (p.Arg766Cys)

Gene: RBM10 (RNA binding motif protein 10; plus strand). Cytogenetic location: Xp11.3.
Variant type: single nucleotide variant.
Coding change: c.2296C>T on transcript NM_005676.5 (MANE Select); coding-DNA position 2296, C replaced by T.
Protein change: p.Arg766Cys; replaces arginine 766 with cysteine.
Molecular consequence: missense variant.
Genome position (GRCh38, 1-based): chrX:47,185,571, C>T. VCF-style: chrX-47185571-C-T. GRCh37 (hg19) VCF-style: chrX-47044970-C-T.
Other names: c.2065C>T, p.Arg689Cys (NM_001204466.2); c.2293C>T, p.Arg765Cys (NM_001204467.2); c.2491C>T, p.Arg831Cys (NM_001204468.2); c.2062C>T, p.Arg688Cys (NM_152856.3); c.2296C>T (NM_005676.4); short protein forms R765C, R688C, R689C, R766C, R831C.
Identifiers: ClinVar variation 871200 (VCV000871200.44), dbSNP rs1935843757, ClinGen allele CA412807826.

ClinVar aggregate classification (germline): Likely pathogenic. Review status: criteria provided, multiple submitters, no conflicts (2 of 4 stars). 4 submissions from 4 submitters: Likely pathogenic (4). Last evaluated 2026-01-12.

Conditions:
TARP syndrome (TARPS). Also called: PIERRE ROBIN SYNDROME WITH CONGENITAL HEART MALFORMATION AND CLUBFOOT; TALIPES EQUINOVARUS, ATRIAL SEPTAL DEFECT, ROBIN SEQUENCE, AND PERSISTENCE OF LEFT SUPERIOR VENA CAVA. Identifiers: Orphanet 2886, MedGen C1839463, MONDO:0010711, OMIM 311900.

Submissions (4):

Victorian Clinical Genetics Services, Murdoch Childrens Research Institute
Classification: Likely pathogenic for TARP syndrome. Last evaluated: 2026-01-12. Review status: criteria provided, single submitter. Criteria: ACMG Guidelines, 2015. Collection method: clinical testing. Allele origin: germline. Affected: yes.
Comment: This variant is classified as Likely pathogenic. Evidence in support of pathogenic classification: Variant is absent from gnomAD (v2, v3 and v4); This variant has limited previous evidence of pathogenicity in unrelated individual(s). This variant has been classified as likely pathogenic by a clinical laboratory in ClinVar, and reported in the literature in an individual with TARP syndrome (PMID: 36879111); Missense variant in a region that is highly intolerant to missense variation (high constraint region in DECIPHER); Missense variant predicted to be damaging by in silico tool(s) or highly conserved with a major amino acid change. Additional information: Variant is predicted to result in a missense amino acid change from Arg to Cys; This variant is hemizygous; This gene is associated with X-linked recessive disease; No published functional evidence has been identified for this variant; No comparable missense variants have previous evidence for pathogenicity; Loss of function is a known mechanism of disease in this gene and is associated with TARP syndrome (MIM#311900). Most variants reported in patients to date are loss-of-function truncating variants; however, multiple missense variants have been reported in individuals with a mild form of TARP syndrome, without the characteristic TARP clinical features (PMID: 35645043, 32812661, 36932902, 37268768); Inheritance information for this variant is not currently available in this individual.

Laboratory of Medical Genetics, University of Torino
Classification: Likely pathogenic for TARP syndrome. Last evaluated: 2022-11-29. Review status: criteria provided, single submitter. Criteria: ACMG Guidelines, 2015. Collection method: research. Allele origin: germline. Affected: yes. Study: NeuroWES.

CeGaT Center for Human Genetics Tuebingen
Classification: Likely pathogenic. Last evaluated: 2019-12-01. Review status: criteria provided, single submitter. Criteria: CeGaT Center For Human Genetics Tuebingen Variant Classification Criteria Version 2. Collection method: clinical testing. Allele origin: germline. Affected: yes. Observed: 2 variant alleles.

Clinical Genetics Service, Universitary Hospital 12 de Octubre
Classification: Likely pathogenic for TARP syndrome. Review status: criteria provided, single submitter. Criteria: ACMG Guidelines, 2015. Collection method: clinical testing. Allele origin: germline. Affected: yes.

Literature cited by the submitters: PubMed 36879111 (cited by Victorian Clinical Genetics Services, Murdoch Childrens Research Institute); PubMed 32812661 (cited by Victorian Clinical Genetics Services, Murdoch Childrens Research Institute); PubMed 36932902 (cited by Victorian Clinical Genetics Services, Murdoch Childrens Research Institute); PubMed 37268768 (cited by Victorian Clinical Genetics Services, Murdoch Childrens Research Institute); PubMed 35645043 (cited by Victorian Clinical Genetics Services, Murdoch Childrens Research Institute).